The following is an entry in ClinVar:

NM_020937.4(FANCM):c.3583A>C (p.Thr1195Pro)

Gene: FANCM (FA complementation group M; plus strand). Cytogenetic location: 14q21.2.
Variant type: single nucleotide variant.
Coding change: c.3583A>C on transcript NM_020937.4 (MANE Select); coding-DNA position 3583, A replaced by C.
Protein change: p.Thr1195Pro; replaces threonine 1195 with proline.
Molecular consequence: missense variant.
Genome position (GRCh38, 1-based): chr14:45,176,337, A>C. VCF-style: chr14-45176337-A-C. GRCh37 (hg19) VCF-style: chr14-45645540-A-C.
Other names: c.3505A>C, p.Thr1169Pro (NM_001308133.2); short protein forms T1169P, T1195P.
Identifiers: ClinVar variation 4254618 (VCV004254618.1).

ClinVar aggregate classification (germline): Uncertain significance (1 of 4 stars; one submission).

Conditions:
Inborn genetic diseases. Identifiers: MedGen C0950123, MeSH D030342.

Submission:

Ambry Genetics
Classification: Uncertain significance for Inborn genetic diseases. Last evaluated: 2025-07-28. Review status: criteria provided, single submitter. Criteria: Ambry Variant Classification Scheme 2023. Collection method: clinical testing. Allele origin: germline.
Comment: The p.T1195P variant (also known as c.3583A>C), located in coding exon 14 of the FANCM gene, results from an A to C substitution at nucleotide position 3583. The threonine at codon 1195 is replaced by proline, an amino acid with highly similar properties. This amino acid position is conserved. In addition, this alteration is predicted to be tolerated by in silico analysis. Based on the available evidence, the clinical significance of this variant remains unclear.